The following is an entry in ClinVar:

NM_001386393.1(PANK2):c.655G>T (p.Gly219Cys)

Gene: PANK2 (pantothenate kinase 2; plus strand). Cytogenetic location: 20p13.
Variant type: single nucleotide variant.
Coding change: c.655G>T on transcript NM_001386393.1 (MANE Select); coding-DNA position 655, G replaced by T.
Protein change: p.Gly219Cys; replaces glycine 219 with cysteine.
Molecular consequence: missense variant. On other transcripts: 5 prime UTR variant (1), non-coding transcript variant (1).
Genome position (GRCh38, 1-based): chr20:3,910,580, G>T. VCF-style: chr20-3910580-G-T. GRCh37 (hg19) VCF-style: chr20-3891227-G-T.
Other names: c.112G>T, p.Gly38Cys (NM_001324191.2, NM_024960.6, NM_153640.4); c.-324G>T (NM_001324193.2); c.985G>T, p.Gly329Cys (NM_153638.4); short protein forms G329C, G219C, G38C.
Identifiers: ClinVar variation 1500971 (VCV001500971.9), dbSNP rs2146866714, ClinGen allele CA408114345.
Genomic context (GRCh38, chr20:3,910,580, plus strand): 5'-AATTTTTGTTTCTGTTGGCTTATTAAAAAGTCTGAGTACATTCTTATTTCATTACAGATA[G>T]GTGATCTTCAGCTTTGCAAACTGGATGAACTAGATTGCTTGATCAAAGGAATTTTATACA-3'
Protein context (NP_001373322.1, residues 209-229): YKFEQDFLTI[Gly219Cys]DLQLCKLDEL

ClinVar aggregate classification (germline): Uncertain significance (1 of 4 stars; one submission).

Conditions:
Pigmentary pallidal degeneration (NBIA1). Also called: PKAN NEUROAXONAL DYSTROPHY, JUVENILE-ONSET; HARP SYNDROME; Pantothenate Kinase-Associated Neurodegeneration; Neuroaxonal dystrophy, late infantile; Hallervorden-Spatz disease; Neurodegeneration with brain iron accumulation 1. Identifiers: Orphanet 157850, MedGen C0018523, MONDO:0009319, OMIM 234200.

Submissions (2):

Labcorp Genetics (formerly Invitae), Labcorp
Classification: Uncertain significance for Pigmentary pallidal degeneration. Last evaluated: 2021-02-17. Review status: criteria provided, single submitter. Criteria: Invitae Variant Classification Sherloc (09022015). Collection method: clinical testing. Allele origin: germline.
Comment: In summary, the available evidence is currently insufficient to determine the role of this variant in disease. Therefore, it has been classified as a Variant of Uncertain Significance. Algorithms developed to predict the effect of missense changes on protein structure and function (SIFT, PolyPhen-2, Align-GVGD) all suggest that this variant is likely to be tolerated, but these predictions have not been confirmed by published functional studies and their clinical significance is uncertain. This variant has not been reported in the literature in individuals with PANK2-related conditions. This variant is not present in population databases (ExAC no frequency). This sequence change replaces glycine with cysteine at codon 329 of the PANK2 protein (p.Gly329Cys). The glycine residue is moderately conserved and there is a large physicochemical difference between glycine and cysteine.

Dr. Peter K. Rogan Lab, Western University
No classification provided (evidence only). Condition: Uterine corpus endometrial carcinoma. Review status: no classification provided. Collection method: in vitro. Allele origin: not applicable. Functional consequence: retained intron. Not counted in ClinVar's aggregate classification.